The following is an entry in ClinVar:

NM_000059.4(BRCA2):c.2485A>G (p.Lys829Glu)

Gene: BRCA2 (BRCA2 DNA repair associated; plus strand). Cytogenetic location: 13q13.1.
Variant type: single nucleotide variant.
Coding change: c.2485A>G on transcript NM_000059.4 (MANE Select); coding-DNA position 2485, A replaced by G.
Protein change: p.Lys829Glu; replaces lysine 829 with glutamic acid.
Molecular consequence: missense variant.
Genome position (GRCh38, 1-based): chr13:32,336,840, A>G. VCF-style: chr13-32336840-A-G. GRCh37 (hg19) VCF-style: chr13-32910977-A-G.
Other names: short protein forms K829E.
Identifiers: ClinVar variation 462266 (VCV000462266.23), dbSNP rs1270048702, ClinGen allele CA387772396.

ClinVar aggregate classification (germline): Conflicting classifications of pathogenicity. Review status: criteria provided, conflicting classifications (1 of 4 stars). 6 submissions from 6 submitters: Uncertain significance (5); Likely benign (1). Last evaluated 2025-12-17.

Conditions:
Hereditary cancer-predisposing syndrome. Also called: Neoplastic Syndromes, Hereditary; Hereditary Cancer Syndrome; Hereditary neoplastic syndrome; Tumor predisposition. Identifiers: Orphanet 140162, MedGen C0027672, MeSH D009386, MONDO:0015356.
Hereditary breast ovarian cancer syndrome. Also called: Hereditary breast and ovarian cancer syndrome (HBOC); Hereditary breast and ovarian cancer syndrome; Breast and ovarian cancer; Hereditary breast and/or ovarian cancer syndrome; Hereditary breast and ovarian cancer; BRCA1- and BRCA2-Associated Hereditary Breast and Ovarian Cancer. Identifiers: Orphanet 145, MedGen C0677776, MeSH D061325, MONDO:0003582. Disease mechanism: loss of function.

Allele frequency attached by ClinVar (database versions not stated): gnomAD exomes below 0.00001 and 0.00001.
gnomAD v4.1: 3 of 1,604,068 alleles (0.00019%); highest among the groups gnomAD compares: South Asian, 0.0023%; no homozygotes.

Submissions (6):

Labcorp Genetics (formerly Invitae), Labcorp
Classification: Uncertain significance for Hereditary breast ovarian cancer syndrome. Last evaluated: 2025-12-17. Review status: criteria provided, single submitter. Criteria: Invitae Variant Classification Sherloc (09022015). Collection method: clinical testing. Allele origin: germline.
Comment: This sequence change replaces lysine, which is basic and polar, with glutamic acid, which is acidic and polar, at codon 829 of the BRCA2 protein (p.Lys829Glu). This variant is present in population databases (no rsID available, gnomAD 0.0009%). This variant has not been reported in the literature in individuals affected with BRCA2-related conditions. ClinVar contains an entry for this variant (Variation ID: 462266). Invitae Evidence Modeling of protein sequence and biophysical properties (such as structural, functional, and spatial information, amino acid conservation, physicochemical variation, residue mobility, and thermodynamic stability) indicates that this missense variant is not expected to disrupt BRCA2 protein function with a negative predictive value of 95%. In summary, the available evidence is currently insufficient to determine the role of this variant in disease. Therefore, it has been classified as a Variant of Uncertain Significance.

Quest Diagnostics Nichols Institute San Juan Capistrano
Classification: Uncertain significance. Last evaluated: 2025-03-02. Review status: criteria provided, single submitter. Criteria: Quest Diagnostics criteria. Collection method: clinical testing. Allele origin: unknown.
Comment: The BRCA2 c.2485A>G (p.Lys829Glu) variant has been reported in the published literature in a reportedly healthy individual (PMID: 30287823 (2018)). Additionally, the variant is located in a region of the BRCA gene that is tolerant to missense sequence changes (PMID: 31911673 (2020)). The frequency of this variant in the general population (Genome Aggregation Database) is uninformative in the assessment of its pathogenicity. Analysis of this variant using bioinformatics tools for the prediction of the effect of amino acid changes on protein structure and function yielded predictions that this variant is benign. Based on the available information, we are unable to determine the clinical significance of this variant.

Ambry Genetics
Classification: Uncertain significance for Hereditary cancer-predisposing syndrome. Last evaluated: 2024-07-12. Review status: criteria provided, single submitter. Criteria: Ambry Variant Classification Scheme 2023. Collection method: clinical testing. Allele origin: germline.
Comment: The p.K829E variant (also known as c.2485A>G), located in coding exon 10 of the BRCA2 gene, results from an A to G substitution at nucleotide position 2485. The lysine at codon 829 is replaced by glutamic acid, an amino acid with similar properties. This alteration has not been observed in 53 unselected male breast cancer patients and was observed with an allele frequency of 0.0001 in 12490 male controls of Japanese ancestry (Momozawa Y et al. Nat Commun, 2018 10;9:4083). This amino acid position is not well conserved in available vertebrate species. In addition, this alteration is predicted to be tolerated by in silico analysis. Since supporting evidence is limited at this time, the clinical significance of this alteration remains unclear.

Women's Health and Genetics/Laboratory Corporation of America, LabCorp
Classification: Uncertain significance. Last evaluated: 2023-11-27. Review status: criteria provided, single submitter. Criteria: LabCorp Variant Classification Summary - May 2015. Collection method: clinical testing. Allele origin: germline.
Comment: Variant summary: BRCA2 c.2485A>G (p.Lys829Glu) results in a conservative amino acid change in the encoded protein sequence. Five of five in-silico tools predict a benign effect of the variant on protein function. The variant allele was found at a frequency of 4.2e-06 in 240460 control chromosomes (gnomAD). The available data on variant occurrences in the general population are insufficient to allow any conclusion about variant significance. c.2485A>G has been reported in the literature in a Japanese case control association study for variants in coding regions of eleven hereditary breast cancer genes (Momozawa_2018). This variant was identified once among 12,490 male controls but not in male or female breast cancer cases and demonstrated no association with disease. The authors classified the variant as a VUS. This report does not provide unequivocal conclusions about association of the variant with Hereditary Breast And Ovarian Cancer Syndrome. To our knowledge, no experimental evidence demonstrating an impact on protein function has been reported. The following publication has been ascertained in the context of this evaluation (PMID: 30287823). Four submitters have cited clinical-significance assessments for this variant to ClinVar after 2014, and classified it as uncertain significance (n=3) or likely benign (n=1). Based on the evidence outlined above, the variant was classified as uncertain significance.

University of Washington Department of Laboratory Medicine, University of Washington
Classification: Likely benign for Hereditary cancer-predisposing syndrome. Last evaluated: 2023-03-23. Review status: criteria provided, single submitter. Criteria: Dines et al. (Genet Med. 2020). Collection method: curation. Allele origin: germline.
Comment: Missense variant in a coldspot region where missense variants are very unlikely to be pathogenic (PMID:31911673).

BRCA2 exon 11 coldspot. Reclassification based on statistical prior probability.

Color Diagnostics, LLC DBA Color Health
Classification: Uncertain significance for Hereditary cancer-predisposing syndrome. Last evaluated: 2019-06-02. Review status: criteria provided, single submitter. Criteria: ACMG Guidelines, 2015. Collection method: clinical testing. Allele origin: germline.

Literature cited by the submitters: PubMed 31911673 (cited by Quest Diagnostics Nichols Institute San Juan Capistrano); PubMed 30287823 (cited by 3 submitters).